The following is an entry in ClinVar:

ClinVar aggregate classification (germline): Uncertain significance. Review status: criteria provided, multiple submitters, no conflicts (2 of 4 stars). 2 submissions from 2 submitters: Uncertain significance (2). Last evaluated 2023-04-07.

Conditions:
Hereditary cancer-predisposing syndrome. Also called: Neoplastic Syndromes, Hereditary; Hereditary neoplastic syndrome; Hereditary Cancer Syndrome; Tumor predisposition. Identifiers: Orphanet 140162, MedGen C0027672, MeSH D009386, MONDO:0015356.
Microcephaly, normal intelligence and immunodeficiency (NBS). Also called: BERLIN BREAKAGE SYNDROME; Immunodeficiency, microcephaly with normal intelligence; SEEMANOVA SYNDROME II; Ataxia telangiectasia variant V1; Nijmegen breakage syndrome; IMMUNODEFICIENCY, MICROCEPHALY, AND CHROMOSOMAL INSTABILITY. Identifiers: Orphanet 647, MedGen C0398791, MONDO:0009623, OMIM 251260.

Allele frequency attached by ClinVar (database versions not stated): gnomAD exomes below 0.00001; ExAC 0.00001.

Submissions (2):

Ambry Genetics
Classification: Uncertain significance for Hereditary cancer-predisposing syndrome. Last evaluated: 2023-04-07. Review status: criteria provided, single submitter. Criteria: Ambry Variant Classification Scheme 2023. Collection method: clinical testing. Allele origin: germline.
Comment: The p.T463A variant (also known as c.1387A>G), located in coding exon 10 of the NBN gene, results from an A to G substitution at nucleotide position 1387. The threonine at codon 463 is replaced by alanine, an amino acid with similar properties. This amino acid position is conserved. In addition, this alteration is predicted to be tolerated by in silico analysis. Since supporting evidence is limited at this time, the clinical significance of this alteration remains unclear.

Labcorp Genetics (formerly Invitae), Labcorp
Classification: Uncertain significance for Microcephaly, normal intelligence and immunodeficiency. Last evaluated: 2021-08-20. Review status: criteria provided, single submitter. Criteria: Invitae Variant Classification Sherloc (09022015). Collection method: clinical testing. Allele origin: germline.
Comment: This sequence change replaces threonine with alanine at codon 463 of the NBN protein (p.Thr463Ala). The threonine residue is weakly conserved and there is a small physicochemical difference between threonine and alanine. This variant is present in population databases (rs745821964, ExAC 0.01%). This variant has not been reported in the literature in individuals affected with NBN-related conditions. Algorithms developed to predict the effect of missense changes on protein structure and function output the following: SIFT: "Tolerated"; PolyPhen-2: "Benign"; Align-GVGD: "Class C0". The alanine amino acid residue is found in multiple mammalian species, which suggests that this missense change does not adversely affect protein function. In summary, the available evidence is currently insufficient to determine the role of this variant in disease. Therefore, it has been classified as a Variant of Uncertain Significance.

NM_002485.5(NBN):c.1387A>G (p.Thr463Ala)

Gene: NBN (nibrin; minus strand). Cytogenetic location: 8q21.3.
Variant type: single nucleotide variant.
Coding change: c.1387A>G on transcript NM_002485.5 (MANE Select); coding-DNA position 1387, A replaced by G.
Protein change: p.Thr463Ala; replaces threonine 463 with alanine.
Molecular consequence: missense variant.
Genome position (GRCh38, 1-based): chr8:89,955,293, T>C on the plus strand (A>G on the coding strand, the complement: NBN is on the minus strand). VCF-style: chr8-89955293-T-C. GRCh37 (hg19) VCF-style: chr8-90967521-T-C.
Other names: c.1141A>G, p.Thr381Ala (NM_001024688.3); short protein forms T381A, T463A.
Identifiers: ClinVar variation 656126 (VCV000656126.9), dbSNP rs745821964, ClinGen allele CA4802758.